The following is an entry in ClinVar:

ClinVar aggregate classification (germline): Conflicting classifications of pathogenicity. Review status: criteria provided, conflicting classifications (1 of 4 stars). 14 submissions from 14 submitters: Uncertain significance (11); Likely benign (3). Last evaluated 2026-01-10.

Conditions:
Hereditary cancer-predisposing syndrome. Also called: Neoplastic Syndromes, Hereditary; Hereditary Cancer Syndrome; Tumor predisposition; Hereditary neoplastic syndrome. Identifiers: Orphanet 140162, MedGen C0027672, MeSH D009386, MONDO:0015356.
Familial thoracic aortic aneurysm and aortic dissection (TAAD). Also called: Thoracic aortic aneurysms and dissections. Identifiers: Orphanet 91387, MedGen C4707243, MONDO:0019625.
Juvenile polyposis/hereditary hemorrhagic telangiectasia syndrome (JPHT). Also called: POLYPOSIS, GENERALIZED JUVENILE, WITH PULMONARY ARTERIOVENOUS MALFORMATION; TELANGIECTASIA, HEREDITARY HEMORRHAGIC, WITH JUVENILE POLYPOSIS COLI; Juvenile Polyposis Syndrome / Hereditary Hemorrhagic Telangiectasia (JPS/HHT); JP/HHT SYNDROME; JUVENILE POLYPOSIS WITH HEREDITARY HEMORRHAGIC TELANGIECTASIA. Identifiers: Orphanet 2929, MedGen C1832942, MONDO:0008278, OMIM 175050.
Carcinoma of pancreas. Also called: Pancreatic cancer, somatic; Pancreatic carcinoma, somatic; PANCREATIC ACINAR CARCINOMA; PANCREATIC CARCINOMA; Exocrine pancreatic carcinoma. Identifiers: Orphanet 1333, Orphanet 217074, MedGen C0235974, MONDO:0005192. Disease mechanism: loss of function.
Myhre syndrome (MYHRS). Also called: LARYNGOTRACHEAL STENOSIS, ARTHROPATHY, PROGNATHISM, AND SHORT STATURE; LAPS SYNDROME. Identifiers: Orphanet 2588, MedGen C0796081, MONDO:0007688, OMIM 139210.
Juvenile polyposis syndrome (JPS). Identifiers: Orphanet 2929, MedGen C0345893, MONDO:0017380, OMIM 174900.
Isolated thoracic aortic aneurysm.

Allele frequency attached by ClinVar (database versions not stated): ExAC 0.00002; gnomAD 0.00002 and 0.00003; gnomAD exomes 0.00002 and 0.00003; TOPMed 0.00004; ESP Exome Variant Server 0.00008.
gnomAD v4.1: 30 of 1,614,106 alleles (0.0019%); highest among the groups gnomAD compares: African/African-American, 0.008%; no homozygotes.

Submissions (14):

Labcorp Genetics (formerly Invitae), Labcorp
Classification: Likely benign for Juvenile polyposis syndrome. Last evaluated: 2026-01-10. Review status: criteria provided, single submitter. Criteria: Invitae Variant Classification Sherloc (09022015). Collection method: clinical testing. Allele origin: germline.

Molecular Pathology, Peter Maccallum Cancer Centre
Classification: Uncertain significance for Juvenile polyposis/hereditary hemorrhagic telangiectasia syndrome. Last evaluated: 2025-04-15. Review status: criteria provided, single submitter. Criteria: ACMG Guidelines, 2015. Collection method: clinical testing. Allele origin: germline. Inheritance: Autosomal dominant inheritance.

Color Diagnostics, LLC DBA Color Health
Classification: Uncertain significance for Hereditary cancer-predisposing syndrome. Last evaluated: 2024-12-10. Review status: criteria provided, single submitter. Criteria: ACMG Guidelines, 2015. Collection method: clinical testing. Allele origin: germline.
Comment: This missense variant replaces asparagine with serine at codon 369 of the SMAD4 protein. Computational prediction suggests that this variant may have deleterious impact on protein structure and function. To our knowledge, functional studies have not been performed for this variant. This variant has been reported in individuals affected with Lynch syndrome-associated cancer and/or polyps (PMID: 25980754) or colorectal cancer (PMID: 28944238, 28002797). This variant has been identified in 8/282794 chromosomes in the general population by the Genome Aggregation Database (gnomAD). The available evidence is insufficient to determine the role of this variant in disease conclusively. Therefore, this variant is classified as a Variant of Uncertain Significance.

Women's Health and Genetics/Laboratory Corporation of America, LabCorp
Classification: Uncertain significance. Last evaluated: 2024-03-28. Review status: criteria provided, single submitter. Criteria: LabCorp Variant Classification Summary - May 2015. Collection method: clinical testing. Allele origin: germline.
Comment: Variant summary: SMAD4 c.1106A>G (p.Asn369Ser) results in a conservative amino acid change located in the SMAD domain, Dwarfin-type of the encoded protein sequence. Four of five in-silico tools predict a damaging effect of the variant on protein function. The variant allele was found at a frequency of 2.8e-05 in 251392 control chromosomes. The available data on variant occurrences in the general population are insufficient to allow any conclusion about variant significance. c.1106A>G has been reported in the literature in individuals undergoing genetic testing for Lynch syndrome and hereditary gastrointestinal cancers (Yurgelun_2015, Ashktorab_2017, Ricci_2019) and has been reported in one individual with Thoracic Aortic Aneurysms And Dissections (Li_2021), without strong evidence for cauasality. In the patients being tested for hereditary cancer, co-occurrences with other pathogenic variants have been reported (RAD51C c.890_899del; MLH1 c.1852_1854delAAG), providing supporting evidence for a benign role. To our knowledge, no experimental evidence demonstrating an impact on protein function has been reported. The following publications have been ascertained in the context of this evaluation (PMID: 28002797, 33824467, 31068090, 25980754). ClinVar contains an entry for this variant (Variation ID: 142165). Based on the evidence outlined above, the variant was classified as uncertain significance.

Baylor Genetics
Classification: Uncertain significance for Juvenile polyposis/hereditary hemorrhagic telangiectasia syndrome. Last evaluated: 2024-03-22. Review status: criteria provided, single submitter. Criteria: ACMG Guidelines, 2015. Collection method: clinical testing. Allele origin: unknown.

All of Us Research Program, National Institutes of Health
Classification: Uncertain significance for Juvenile polyposis/hereditary hemorrhagic telangiectasia syndrome. Last evaluated: 2023-12-13. Review status: criteria provided, single submitter. Criteria: ACMG Guidelines, 2015. Collection method: clinical testing. Allele origin: germline. Inheritance: Autosomal dominant inheritance. Observed: 5 variant alleles, 5 heterozygotes.
Comment: This missense variant replaces asparagine with serine at codon 369 of the SMAD4 protein. Computational prediction suggests that this variant may have deleterious impact on protein structure and function (internally defined REVEL score threshold >= 0.7, PMID: 27666373). To our knowledge, functional studies have not been performed for this variant. This variant has been reported in individuals affected with Lynch syndrome-associated cancer and/or polyps (PMID: 25980754) or colorectal cancer (PMID: 28944238). This variant has been identified in 8/282794 chromosomes in the general population by the Genome Aggregation Database (gnomAD). The available evidence is insufficient to determine the role of this variant in disease conclusively. Therefore, this variant is classified as a Variant of Uncertain Significance.

This study involves interpretation of variants in research participants for the purpose of population health screening. Participant phenotype was not available at the time of variant classification. Additional details can be found in publication PMID: 35346344, PMCID: PMC8962531

Quest Diagnostics Nichols Institute San Juan Capistrano
Classification: Uncertain significance. Last evaluated: 2023-11-30. Review status: criteria provided, single submitter. Criteria: Quest Diagnostics criteria. Collection method: clinical testing. Allele origin: unknown.
Comment: The SMAD4 c.1106A>G (p.Asn369Ser) variant has been reported in the published literature in individuals with colorectal cancer (PMID: 28944238 (2017)) or with a Lynch syndrome associated cancer and/or polyps (PMID: 25980754 (2015)). The frequency of this variant in the general population, 0.00012 (3/24966 chromosomes in African/African American subpopulation (Genome Aggregation Database)), is higher than would generally be expected for pathogenic variants in this gene. Analysis of this variant using bioinformatics tools for the prediction of the effect of amino acid changes on protein structure and function yielded conflicting predictions that this variant is benign or damaging. Based on the available information, we are unable to determine the clinical significance of this variant.

GeneDx
Classification: Uncertain significance. Last evaluated: 2023-07-07. Review status: criteria provided, single submitter. Criteria: GeneDx Variant Classification Process June 2021. Collection method: clinical testing. Allele origin: germline. Affected: yes.
Comment: In silico analysis supports that this missense variant has a deleterious effect on protein structure/function; This variant is associated with the following publications: (PMID: 28944238, 28002797, 31758407, 33824467, 17873119, 18823382, 15235019, 25980754)

Ambry Genetics
Classification: Likely benign for Hereditary cancer-predisposing syndrome; Familial thoracic aortic aneurysm and aortic dissection. Last evaluated: 2022-11-28. Review status: criteria provided, single submitter. Criteria: Ambry Variant Classification Scheme 2023. Collection method: clinical testing. Allele origin: germline.

Sema4
Classification: Uncertain significance for Hereditary cancer-predisposing syndrome. Last evaluated: 2021-11-06. Review status: criteria provided, single submitter. Criteria: Sema4 Curation Guidelines. Collection method: curation. Allele origin: germline.
Comment: The SMAD4 c.1106A>G (p.N369S) variant has been reported in individuals with colon cancer or another Lynch syndrome-associated cancer (PMID: 25980754, 28944238). It was observed in 3/24966 chromosomes of the African/African American subpopulation in the large and broad cohorts of the Genome Aggregation Database (PMID: 32461654). The variant has been reported in ClinVar (Variation ID: 142165). In silico tools suggest the impact of the variant on protein function is deleterious, though these predictions have not been confirmed by functional studies. The evidence is insufficient to meet ACMG/AMP criteria for classifying the variant as benign or pathogenic. Thus, the clinical significance of this variant is currently uncertain.

Fulgent Genetics
Classification: Uncertain significance for Myhre syndrome; Juvenile polyposis syndrome; Juvenile polyposis/hereditary hemorrhagic telangiectasia syndrome; Familial pancreatic carcinoma. Last evaluated: 2021-10-13. Review status: criteria provided, single submitter. Criteria: ACMG Guidelines, 2015. Collection method: clinical testing. Allele origin: unknown.

Blueprint Genetics
Classification: Likely benign. Last evaluated: 2020-08-17. Review status: criteria provided, single submitter. Criteria: ACMG Guidelines, 2015. Collection method: clinical testing. Allele origin: germline.

Department of Vascular Biology, Beijing Anzhen Hospital
Classification: Uncertain significance for Isolated thoracic aortic aneurysm. Last evaluated: 2018-09-01. Review status: criteria provided, single submitter. Criteria: ACMG Guidelines, 2015. Collection method: research. Allele origin: germline. Affected: yes.

PreventionGenetics, part of Exact Sciences
Classification: Uncertain significance. Last evaluated: 2017-06-28. Review status: criteria provided, single submitter. Criteria: ACMG Guidelines, 2015. Collection method: clinical testing. Allele origin: germline.

Literature cited by the submitters: PubMed 25980754 (cited by 5 submitters); PubMed 28002797 (cited by Color Diagnostics, LLC DBA Color Health and Women's Health and Genetics/Laboratory Corporation of America, LabCorp); PubMed 28944238 (cited by 4 submitters); PubMed 31068090 (cited by Women's Health and Genetics/Laboratory Corporation of America, LabCorp); PubMed 33824467 (cited by Women's Health and Genetics/Laboratory Corporation of America, LabCorp); PubMed 31758407 (cited by Quest Diagnostics Nichols Institute San Juan Capistrano); PubMed 30719162 (cited by Quest Diagnostics Nichols Institute San Juan Capistrano).

NM_005359.6(SMAD4):c.1106A>G (p.Asn369Ser)

Gene: SMAD4 (SMAD family member 4; plus strand). Cytogenetic location: 18q21.2.
Variant type: single nucleotide variant.
Coding change: c.1106A>G on transcript NM_005359.6 (MANE Select); coding-DNA position 1106, A replaced by G.
Protein change: p.Asn369Ser; replaces asparagine 369 with serine.
Molecular consequence: missense variant.
Genome position (GRCh38, 1-based): chr18:51,065,573, A>G. VCF-style: chr18-51065573-A-G. GRCh37 (hg19) VCF-style: chr18-48591943-A-G.
Other names: short protein forms N369S.
Identifiers: ClinVar variation 142165 (VCV000142165.38), dbSNP rs139569694, ClinGen allele CA167654.
Genomic context (GRCh38, chr18:51,065,573, plus strand): 5'-CTGTTGATGGATACGTGGACCCTTCTGGAGGAGATCGCTTTTGTTTGGGTCAACTCTCCA[A>G]TGTCCACAGGACAGAAGCCATTGAGAGAGCAAGGTATTGATTGTATAGTCAGATAGTTAC-3'
Protein context (NP_005350.1, residues 359-379): GDRFCLGQLS[Asn369Ser]VHRTEAIERA